The following is an entry in ClinVar:

ClinVar aggregate classification (germline): Uncertain significance (1 of 4 stars; one submission).

Submission:

GeneDx
Classification: Uncertain significance. Last evaluated: 2022-08-22. Review status: criteria provided, single submitter. Criteria: GeneDx Variant Classification Process June 2021. Collection method: clinical testing. Allele origin: germline. Affected: yes.
Comment: Not observed at significant frequency in large population cohorts (gnomAD); In silico analysis supports that this missense variant has a deleterious effect on protein structure/function; Has not been previously published as pathogenic or benign to our knowledge; This variant is associated with the following publications: (PMID: 24658002)

NM_003072.5(SMARCA4):c.2338G>C (p.Glu780Gln)

Gene: SMARCA4 (SWI/SNF related BAF chromatin remodeling complex subunit ATPase 4; plus strand). Cytogenetic location: 19p13.2.
Variant type: single nucleotide variant.
Coding change: c.2338G>C on transcript NM_003072.5 (MANE Select); coding-DNA position 2338, G replaced by C.
Protein change: p.Glu780Gln; replaces glutamic acid 780 with glutamine.
Molecular consequence: missense variant. On other transcripts: non-coding transcript variant (1).
Genome position (GRCh38, 1-based): chr19:11,013,012, G>C. VCF-style: chr19-11013012-G-C. GRCh37 (hg19) VCF-style: chr19-11123688-G-C.
Other names: c.2338G>C, p.Glu780Gln (NM_001128844.3, NM_001128845.2, NM_001128846.2 and 6 more transcripts); short protein forms E780Q.
Identifiers: ClinVar variation 2430554 (VCV002430554.1), dbSNP rs2146278627, ClinGen allele CA404053138.
Genomic context (GRCh38, chr19:11,013,012, plus strand): 5'-AAAGGTTTGGAGTGGCTGGTGTCCCTGTACAACAACAACCTGAACGGCATCCTGGCCGAC[G>C]AGATGGGCCTGGGGAAGACCATCCAGACCATCGCGCTCATCACGTACCTCATGGAGCACA-3'
Protein context (NP_003063.2, residues 770-790): NNNLNGILAD[Glu780Gln]MGLGKTIQTI